The following is an entry in ClinVar:

ClinVar aggregate classification (germline): Conflicting classifications of pathogenicity. Review status: criteria provided, conflicting classifications (1 of 4 stars). 3 submissions from 3 submitters: Uncertain significance (1); Likely benign (1). 1 of the submissions does not count toward it. Last evaluated 2024-04-11.

Conditions:
DISP1-related disorder. Also called: DISP1-related condition.

Allele frequency attached by ClinVar (database versions not stated): gnomAD exomes 0.00014 and 0.00033; ExAC 0.00038; 1000 Genomes Project 0.00100; 1000 Genomes Project 30x 0.00109; gnomAD 0.00109 and 0.00120; TOPMed 0.00123; ESP Exome Variant Server 0.00169.
gnomAD v4.1: 365 of 1,614,144 alleles (0.023%); highest among the groups gnomAD compares: African/African-American, 0.39%; 1 homozygote.

Submissions (3):

Labcorp Genetics (formerly Invitae), Labcorp
Classification: Likely benign. Last evaluated: 2024-04-11. Review status: criteria provided, single submitter. Criteria: Invitae Variant Classification Sherloc (09022015). Collection method: clinical testing. Allele origin: germline.

ARUP Laboratories, Molecular Genetics and Genomics, ARUP Laboratories
Classification: Uncertain significance. Last evaluated: 2018-01-24. Review status: criteria provided, single submitter. Criteria: ARUP Molecular Germline Variant Investigation Process. Collection method: clinical testing. Allele origin: germline.
Comment: The DISP1 c.1322C>T; p.Thr441Met variant (rs114523965), to our knowledge, is not reported in the medical literature, gene specific variation databases, nor has it been previously identified by our laboratory. This variant is listed in the genome Aggregation Database (gnomAD) with an African population frequency of 0.4% (identified on 101 out of 24,034 chromosomes). The threonine at position 441 is weakly conserved, considering 12 species, and computational analyses of the effects of the p.Thr441Met variant on protein structure and function provide conflicting results (SIFT: damaging, MutationTaster: polymorphism, PolyPhen-2: benign). Based on the available information, the clinical significance of the p.Thr441Met variant cannot be determined with certainty.

PreventionGenetics, part of Exact Sciences
Classification: Likely benign for DISP1-related condition. Last evaluated: 2023-10-19. Review status: no assertion criteria provided. Collection method: clinical testing. Allele origin: germline. Not counted in ClinVar's aggregate classification.
Comment: This variant is classified as likely benign based on ACMG/AMP sequence variant interpretation guidelines (Richards et al. 2015 PMID: 25741868, with internal and published modifications).

NM_001377229.1(DISP1):c.1322C>T (p.Thr441Met)

Gene: DISP1 (dispatched RND transporter family member 1; plus strand). Cytogenetic location: 1q41.
Variant type: single nucleotide variant.
Coding change: c.1322C>T on transcript NM_001377229.1 (MANE Select); coding-DNA position 1322, C replaced by T.
Protein change: p.Thr441Met; replaces threonine 441 with methionine.
Molecular consequence: missense variant.
Genome position (GRCh38, 1-based): chr1:223,002,719, C>T. VCF-style: chr1-223002719-C-T. GRCh37 (hg19) VCF-style: chr1-223176061-C-T.
Other names: c.593C>T, p.Thr198Met (NM_001350630.2); c.1322C>T, p.Thr441Met (NM_001369594.1, NM_001377228.1, NM_032890.5); short protein forms T441M, T198M.
Identifiers: ClinVar variation 618595 (VCV000618595.21), dbSNP rs114523965, ClinGen allele CA1409057.